The following is an entry in ClinVar:

NM_003200.5(TCF3):c.1529C>T (p.Ala510Val)

Gene: TCF3 (transcription factor 3; minus strand). Cytogenetic location: 19p13.3.
Variant type: single nucleotide variant.
Coding change: c.1529C>T on transcript NM_003200.5 (MANE Select); coding-DNA position 1529, C replaced by T.
Protein change: p.Ala510Val; replaces alanine 510 with valine.
Molecular consequence: missense variant.
Genome position (GRCh38, 1-based): chr19:1,615,743, G>A on the plus strand (C>T on the coding strand, the complement: TCF3 is on the minus strand). VCF-style: chr19-1615743-G-A. GRCh37 (hg19) VCF-style: chr19-1615742-G-A.
Other names: c.1529C>T (NM_003200.3); c.1529C>T, p.Ala510Val (NM_001136139.4, NM_001351779.2); c.1526C>T, p.Ala509Val (NM_001351778.2); short protein forms A510V, A509V.
Identifiers: ClinVar variation 2195528 (VCV002195528.6), dbSNP rs201649703, ClinGen allele CA9049780.

ClinVar aggregate classification (germline): Conflicting classifications of pathogenicity. Review status: criteria provided, conflicting classifications (1 of 4 stars). 2 submissions from 2 submitters: Uncertain significance (1); Likely benign (1). Last evaluated 2025-08-20.

Conditions:
Inborn genetic diseases. Identifiers: MedGen C0950123, MeSH D030342.

Allele frequency attached by ClinVar (database versions not stated): gnomAD 0.00005; TOPMed 0.00013.

Submissions (2):

Labcorp Genetics (formerly Invitae), Labcorp
Classification: Uncertain significance. Last evaluated: 2025-08-20. Review status: criteria provided, single submitter. Criteria: Invitae Variant Classification Sherloc (09022015). Collection method: clinical testing. Allele origin: germline.
Comment: This sequence change replaces alanine, which is neutral and non-polar, with valine, which is neutral and non-polar, at codon 510 of the TCF3 protein (p.Ala510Val). This variant is present in population databases (rs201649703, gnomAD 0.04%). This variant has not been reported in the literature in individuals affected with TCF3-related conditions. ClinVar contains an entry for this variant (Variation ID: 2195528). Invitae Evidence Modeling of protein sequence and biophysical properties (such as structural, functional, and spatial information, amino acid conservation, physicochemical variation, residue mobility, and thermodynamic stability) indicates that this missense variant is not expected to disrupt TCF3 protein function with a negative predictive value of 80%. In summary, the available evidence is currently insufficient to determine the role of this variant in disease. Therefore, it has been classified as a Variant of Uncertain Significance.

Ambry Genetics
Classification: Likely benign for Inborn genetic diseases. Last evaluated: 2023-08-04. Review status: criteria provided, single submitter. Criteria: Ambry Variant Classification Scheme 2023. Collection method: clinical testing. Allele origin: germline.